The following is an entry in ClinVar:

NM_002227.4(JAK1):c.1584G>C (p.Lys528Asn)

Gene: JAK1 (Janus kinase 1; minus strand). Cytogenetic location: 1p31.3.
Variant type: single nucleotide variant.
Coding change: c.1584G>C on transcript NM_002227.4 (MANE Select); coding-DNA position 1584, G replaced by C.
Protein change: p.Lys528Asn; replaces lysine 528 with asparagine.
Molecular consequence: missense variant.
Genome position (GRCh38, 1-based): chr1:64,855,573, C>G on the plus strand (G>C on the coding strand, the complement: JAK1 is on the minus strand). VCF-style: chr1-64855573-C-G. GRCh37 (hg19) VCF-style: chr1-65321256-C-G.
Other names: c.1584G>C, p.Lys528Asn (NM_001320923.2, NM_001321852.2, NM_001321853.2 and 3 more transcripts); c.1581G>C, p.Lys527Asn (NM_001321857.2); short protein forms K527N, K528N.
Identifiers: ClinVar variation 2083405 (VCV002083405.4), dbSNP rs996973865, ClinGen allele CA340669372.

ClinVar aggregate classification (germline): Uncertain significance (1 of 4 stars; one submission).

Submission:

Labcorp Genetics (formerly Invitae), Labcorp
Classification: Uncertain significance. Last evaluated: 2022-02-01. Review status: criteria provided, single submitter. Criteria: Invitae Variant Classification Sherloc (09022015). Collection method: clinical testing. Allele origin: germline.
Comment: In summary, the available evidence is currently insufficient to determine the role of this variant in disease. Therefore, it has been classified as a Variant of Uncertain Significance. Algorithms developed to predict the effect of missense changes on protein structure and function are either unavailable or do not agree on the potential impact of this missense change (SIFT: "Not Available"; PolyPhen-2: "Benign"; Align-GVGD: "Not Available"). This variant has not been reported in the literature in individuals affected with JAK1-related conditions. This variant is not present in population databases (gnomAD no frequency). This sequence change replaces lysine, which is basic and polar, with asparagine, which is neutral and polar, at codon 528 of the JAK1 protein (p.Lys528Asn).